The following is an entry in ClinVar:

ClinVar aggregate classification (germline): Benign (0 of 4 stars; one submission).

Conditions:
FSIP2-related disorder. Also called: FSIP2-related condition.

Allele frequency attached by ClinVar (database versions not stated): gnomAD exomes 0.00329; ExAC 0.00573; gnomAD 0.02178; 1000 Genomes Project 0.02875; 1000 Genomes Project 30x 0.03061.
gnomAD v4.1: 8,112 of 1,532,724 alleles (0.53%); highest among the groups gnomAD compares: African/African-American, 7.2%; 211 homozygotes.

Submission:

PreventionGenetics, part of Exact Sciences
Classification: Benign for FSIP2-related condition. Last evaluated: 2019-02-20. Review status: no assertion criteria provided. Collection method: clinical testing. Allele origin: germline.
Comment: This variant is classified as benign based on ACMG/AMP sequence variant interpretation guidelines (Richards et al. 2015 PMID: 25741868, with internal and published modifications).

NM_173651.4(FSIP2):c.5026A>T (p.Thr1676Ser)

Genes: FSIP2 (fibrous sheath interacting protein 2; plus strand), FSIP2-AS1 (FSIP2 antisense RNA 1; minus strand). Cytogenetic location: 2q32.1.
Variant type: single nucleotide variant.
Coding change: c.5026A>T on transcript NM_173651.4 (MANE Select); coding-DNA position 5026, A replaced by T.
Protein change: p.Thr1676Ser; replaces threonine 1676 with serine.
Molecular consequence: missense variant.
Genome position (GRCh38, 1-based): chr2:185,792,162, A>T. VCF-style: chr2-185792162-A-T. GRCh37 (hg19) VCF-style: chr2-186656889-A-T.
Other names: short protein forms T1676S.
Identifiers: ClinVar variation 3055639 (VCV003055639.2), dbSNP rs80073781, ClinGen allele CA2016677.
Genomic context (GRCh38, chr2:185,792,162, plus strand): 5'-ACAGAATTAAATGTGACCTCATCAGATTTGAAGACAAGTGTAGAAAACCCACCACCTGAG[A>T]CTCAAATACTTAAGTATGTAGTCAAGTTAATTTTAGATGCAGTATCTTCCGATATGTTTA-3'
Protein context (NP_775922.3, residues 1666-1686): KTSVENPPPE[Thr1676Ser]QILKYVVKLI